The following is an entry in ClinVar:

ClinVar aggregate classification (germline): Pathogenic. Review status: criteria provided, single submitter (1 of 4 stars). 2 submissions from 2 submitters: Pathogenic (1). 1 of the submissions does not count toward it. Last evaluated 2019-01-17.

Conditions:
Vici syndrome (VICIS). Identifiers: Orphanet 1493, MedGen C1855772, MONDO:0009452, OMIM 242840.

Submissions (2):

SIB Swiss Institute of Bioinformatics
Classification: Pathogenic for Vici syndrome. Last evaluated: 2019-01-17. Review status: criteria provided, single submitter. Criteria: ACMG Guidelines, 2015. Collection method: curation. Allele origin: unknown.
Comment: This variant is interpreted as a Pathogenic for Vici syndrome, autosomal recessive. The following ACMG Tag(s) were applied: PM2 => Absent from controls (or at extremely low frequency if recessive) in Exome Sequencing Project, 1000 Genomes Project, or Exome Aggregation Consortium. PVS1 => Predicted nullvariant in a gene where LOF is a known mechanism of disease. PM3 => For recessive disorders, detected in trans with a pathogenic variant (PMID:23222957).

ClinGen:CA214400

OMIM
Classification: Pathogenic for VICI SYNDROME. Last evaluated: 2013-01-01. Review status: no assertion criteria provided. Collection method: literature only. Allele origin: germline. Not counted in ClinVar's aggregate classification.

Literature cited by the submitters: PubMed 23222957 (cited by SIB Swiss Institute of Bioinformatics and OMIM).

NM_020964.3(EPG5):c.2575G>T (p.Glu859Ter)

Gene: EPG5 (ectopic P-granules 5 autophagy tethering factor; minus strand). Cytogenetic location: 18q21.1.
Variant type: single nucleotide variant.
Coding change: c.2575G>T on transcript NM_020964.3 (MANE Select); coding-DNA position 2575, G replaced by T.
Protein change: p.Glu859Ter; replaces glutamic acid 859 with a stop codon.
Molecular consequence: nonsense.
Genome position (GRCh38, 1-based): chr18:45,925,881, C>A on the plus strand (G>T on the coding strand, the complement: EPG5 is on the minus strand). VCF-style: chr18-45925881-C-A. GRCh37 (hg19) VCF-style: chr18-43505847-C-A.
Other names: c.2575G>T, p.Glu859Ter (LRG_1234t1); short protein forms E859*.
Identifiers: ClinVar variation 39983 (VCV000039983.3), dbSNP rs587776941, ClinGen allele CA214400.